The following is an entry in ClinVar:

NM_001004334.4(GPR179):c.3553C>T (p.Gln1185Ter)

Gene: GPR179 (G protein-coupled receptor 179; minus strand). Cytogenetic location: 17q12.
Variant type: single nucleotide variant.
Coding change: c.3553C>T on transcript NM_001004334.4 (MANE Select); coding-DNA position 3553, C replaced by T.
Protein change: p.Gln1185Ter; replaces glutamine 1185 with a stop codon.
Molecular consequence: nonsense.
Genome position (GRCh38, 1-based): chr17:38,330,016, G>A on the plus strand (C>T on the coding strand, the complement: GPR179 is on the minus strand). VCF-style: chr17-38330016-G-A. GRCh37 (hg19) VCF-style: chr17-36485899-G-A.
Other names: short protein forms Q1185*.
Identifiers: ClinVar variation 4819982 (VCV004819982.1).

ClinVar aggregate classification (germline): Likely pathogenic (1 of 4 stars; one submission).

Conditions:
Retinal disorder. Also called: Retinal disorders; Retinopathies; Retinal Diseases; Retinopathy. Identifiers: MedGen C0035309, MONDO:0005283, HP:0000488.

gnomAD v4.1: 7 of 1,614,218 alleles (0.00043%); highest among the groups gnomAD compares: Non-Finnish European, 0.00051%; no homozygotes.

Submission:

Genetics Laboratory, Great Ormond Street Hospital NHS Foundation Trust, North Thames Genomic Laboratory Hub
Classification: Likely pathogenic for Retinal disorders. Last evaluated: 2026-02-10. Review status: criteria provided, single submitter. Criteria: ACGS Best Practice Guidelines for Variant Classification in Rare Disease 2024 v1.2. Collection method: clinical testing. Allele origin: germline. Affected: yes.
Comment: PM2_moderate, PVS1_strong